The following is an entry in ClinVar:

NM_001844.5(COL2A1):c.3742_3751del (p.Leu1248fs)

Gene: COL2A1 (collagen type II alpha 1 chain; minus strand). Cytogenetic location: 12q13.11.
Variant type: Deletion.
Coding change: c.3742_3751del on transcript NM_001844.5 (MANE Select); coding-DNA positions 3742 to 3751, 10 bases deleted (CTGAGACAGC; older notation c.3742_3751delCTGAGACAGC).
Protein change: p.Leu1248fs; shifts the reading frame from leucine 1248.
Molecular consequence: frameshift variant.
Genome position (GRCh38, 1-based): chr12:47,975,452-47,975,461, GCTGTCTCAG deleted on the plus strand (CTGAGACAGC on the coding strand, the reverse complement: COL2A1 is on the minus strand); deleting any 10 consecutive bases within chr12:47,975,452-47,975,463 gives the same sequence; the c. name uses the placement nearest the transcript's 3' end. VCF-style (leftmost placement, unchanged base first): chr12-47975451-TGCTGTCTCAG-T. GRCh37 (hg19) VCF-style: chr12-48369234-TGCTGTCTCAG-T.
Other names: c.3535_3544del, p.Leu1179fs (NM_033150.3); short protein forms L1179fs, L1248fs.
Identifiers: ClinVar variation 4715214 (VCV004715214.1).
Genomic context (GRCh38, chr12:47,975,451, plus strand): 5'-CTGCGGATGCTCTCAATCTGGTTGTTGAGGGACTTGAGTGTGGCATCCACCTCGGCGTCA[TGCTGTCTCAG>T]GCCACCGGCTGCCTGGTCGGCCCGCATGTACTGCAGGGGGTCGGGGCCCTTCTCTCTCGG-3'

ClinVar aggregate classification (germline): Pathogenic (1 of 4 stars; one submission).

Submission:

Labcorp Genetics (formerly Invitae), Labcorp
Classification: Pathogenic. Last evaluated: 2025-03-22. Review status: criteria provided, single submitter. Criteria: Invitae Variant Classification Sherloc (09022015). Collection method: clinical testing. Allele origin: germline.
Comment: This sequence change creates a premature translational stop signal (p.Leu1248Metfs*36) in the COL2A1 gene. It is expected to result in an absent or disrupted protein product. Loss-of-function variants in COL2A1 are known to be pathogenic (PMID: 20179744). This variant is not present in population databases (gnomAD no frequency). This variant has not been reported in the literature in individuals affected with COL2A1-related conditions. For these reasons, this variant has been classified as Pathogenic.

Literature cited by the submitters: PubMed 20179744.